The following is an entry in ClinVar:

ClinVar aggregate classification (germline): Uncertain significance (1 of 4 stars; one submission).

Allele frequency attached by ClinVar (database versions not stated): gnomAD 0.00001.
gnomAD v4.1: 37 of 1,614,088 alleles (0.0023%); highest among the groups gnomAD compares: Non-Finnish European, 0.0028%; no homozygotes.

Submission:

Labcorp Genetics (formerly Invitae), Labcorp
Classification: Uncertain significance. Last evaluated: 2025-05-05. Review status: criteria provided, single submitter. Criteria: Invitae Variant Classification Sherloc (09022015). Collection method: clinical testing. Allele origin: germline.
Comment: This sequence change replaces asparagine, which is neutral and polar, with lysine, which is basic and polar, at codon 190 of the ARSG protein (p.Asn190Lys). This variant is present in population databases (no rsID available, gnomAD 0.006%). This variant has not been reported in the literature in individuals affected with ARSG-related conditions. ClinVar contains an entry for this variant (Variation ID: 1346189). An algorithm developed to predict the effect of missense changes on protein structure and function outputs the following: PolyPhen-2: "Benign". The lysine amino acid residue is found in multiple mammalian species, which suggests that this missense change does not adversely affect protein function. In summary, the available evidence is currently insufficient to determine the role of this variant in disease. Therefore, it has been classified as a Variant of Uncertain Significance.

NM_001267727.2(ARSG):c.570C>A (p.Asn190Lys)

Gene: ARSG (arylsulfatase G; plus strand). Cytogenetic location: 17q24.2.
Variant type: single nucleotide variant.
Coding change: c.570C>A on transcript NM_001267727.2 (MANE Select); coding-DNA position 570, C replaced by A.
Protein change: p.Asn190Lys; replaces asparagine 190 with lysine.
Molecular consequence: missense variant.
Genome position (GRCh38, 1-based): chr17:68,356,670, C>A. VCF-style: chr17-68356670-C-A. GRCh37 (hg19) VCF-style: chr17-66352811-C-A.
Other names: c.570C>A, p.Asn190Lys (NM_001352899.2, NM_001352900.2, NM_001352901.2 and 8 more transcripts); c.522C>A, p.Asn174Lys (NM_001352909.2); short protein forms N190K, N174K.
Identifiers: ClinVar variation 1346189 (VCV001346189.6), dbSNP rs775682355, ClinGen allele CA400743074.